The following is an entry in ClinVar:

ClinVar aggregate classification (germline): Uncertain significance. Review status: criteria provided, multiple submitters, no conflicts (2 of 4 stars). 4 submissions from 4 submitters: Uncertain significance (4). Last evaluated 2024-03-14.

Conditions:
Hereditary nonpolyposis colorectal neoplasms. Identifiers: MedGen C0009405, MeSH D003123.
Hereditary cancer-predisposing syndrome. Also called: Neoplastic Syndromes, Hereditary; Tumor predisposition; Hereditary neoplastic syndrome; Hereditary Cancer Syndrome. Identifiers: Orphanet 140162, MedGen C0027672, MeSH D009386, MONDO:0015356.

Submissions (4):

Labcorp Genetics (formerly Invitae), Labcorp
Classification: Uncertain significance for Hereditary nonpolyposis colorectal neoplasms. Last evaluated: 2024-03-14. Review status: criteria provided, single submitter. Criteria: Invitae Variant Classification Sherloc (09022015). Collection method: clinical testing. Allele origin: germline.
Comment: This sequence change replaces serine, which is neutral and polar, with arginine, which is basic and polar, at codon 950 of the MSH6 protein (p.Ser950Arg). This variant is not present in population databases (gnomAD no frequency). This variant has not been reported in the literature in individuals affected with MSH6-related conditions. ClinVar contains an entry for this variant (Variation ID: 629024). Advanced modeling of protein sequence and biophysical properties (such as structural, functional, and spatial information, amino acid conservation, physicochemical variation, residue mobility, and thermodynamic stability) performed at Invitae indicates that this missense variant is not expected to disrupt MSH6 protein function with a negative predictive value of 95%. In summary, the available evidence is currently insufficient to determine the role of this variant in disease. Therefore, it has been classified as a Variant of Uncertain Significance.

Color Diagnostics, LLC DBA Color Health
Classification: Uncertain significance for Hereditary cancer-predisposing syndrome. Last evaluated: 2023-12-05. Review status: criteria provided, single submitter. Criteria: ACMG Guidelines, 2015. Collection method: clinical testing. Allele origin: germline.
Comment: This missense variant replaces serine with arginine at codon 950 of the MSH6 protein. Computational prediction suggests that this variant may not impact protein structure and function (internally defined REVEL score threshold <= 0.5, PMID: 27666373). To our knowledge, functional studies have not been reported for this variant. This variant has not been reported in individuals affected with MSH6-related disorders in the literature. This variant has not been identified in the general population by the Genome Aggregation Database (gnomAD). The available evidence is insufficient to determine the role of this variant in disease conclusively. Therefore, this variant is classified as a Variant of Uncertain Significance.

Ambry Genetics
Classification: Uncertain significance for Hereditary cancer-predisposing syndrome. Last evaluated: 2023-11-29. Review status: criteria provided, single submitter. Criteria: Ambry Variant Classification Scheme 2023. Collection method: clinical testing. Allele origin: germline.
Comment: The p.S950R variant (also known as c.2850C>G), located in coding exon 4 of the MSH6 gene, results from a C to G substitution at nucleotide position 2850. The serine at codon 950 is replaced by arginine, an amino acid with dissimilar properties. This amino acid position is conserved. In addition, the in silico prediction for this alteration is inconclusive. Since supporting evidence is limited at this time, the clinical significance of this alteration remains unclear.

Women's Health and Genetics/Laboratory Corporation of America, LabCorp
Classification: Uncertain significance. Last evaluated: 2023-05-18. Review status: criteria provided, single submitter. Criteria: LabCorp Variant Classification Summary - May 2015. Collection method: clinical testing. Allele origin: germline.

NM_000179.3(MSH6):c.2850C>G (p.Ser950Arg)

Gene: MSH6 (mutS homolog 6; plus strand). Cytogenetic location: 2p16.3.
Variant type: single nucleotide variant.
Coding change: c.2850C>G on transcript NM_000179.3 (MANE Select); coding-DNA position 2850, C replaced by G.
Protein change: p.Ser950Arg; replaces serine 950 with arginine.
Molecular consequence: missense variant.
Genome position (GRCh38, 1-based): chr2:47,800,833, C>G. VCF-style: chr2-47800833-C-G. GRCh37 (hg19) VCF-style: chr2-48027972-C-G.
Other names: c.2460C>G, p.Ser820Arg (NM_001281492.2); c.1944C>G, p.Ser648Arg (NM_001281493.2, NM_001281494.2); short protein forms S950R, S820R, S648R.
Identifiers: ClinVar variation 629024 (VCV000629024.9), dbSNP rs571394629, ClinGen allele CA346755860.